The following is an entry in ClinVar:

ClinVar aggregate classification (germline): Uncertain significance. Review status: criteria provided, multiple submitters, no conflicts (2 of 4 stars). 3 submissions from 3 submitters: Uncertain significance (3). Last evaluated 2025-08-18.

Conditions:
Inborn genetic diseases. Identifiers: MedGen C0950123, MeSH D030342.
PAX9-related disorder. Also called: PAX9-related condition.

Allele frequency attached by ClinVar (database versions not stated): ExAC 0.00001; gnomAD 0.00001; ESP Exome Variant Server 0.00008; gnomAD exomes 0.00001; TOPMed 0.00002.
gnomAD v4.1: 22 of 1,614,020 alleles (0.0014%); highest among the groups gnomAD compares: Non-Finnish European, 0.0017%; no homozygotes.

Submissions (3):

PreventionGenetics, part of Exact Sciences
Classification: Uncertain significance for PAX9-related condition. Last evaluated: 2025-08-18. Review status: criteria provided, single submitter. Criteria: ACMG Guidelines, 2015. Collection method: clinical testing. Allele origin: germline.
Comment: The PAX9 c.775C>T variant is predicted to result in the amino acid substitution p.Pro259Ser. To our knowledge, this variant has not been reported in the literature. This variant is reported in 0.00089% of alleles in individuals of European (Non-Finnish) descent in gnomAD. At this time, the clinical significance of this variant is uncertain due to the absence of conclusive functional and genetic evidence.

GeneDx
Classification: Uncertain significance. Last evaluated: 2024-04-29. Review status: criteria provided, single submitter. Criteria: GeneDx Variant Classification Process June 2021. Collection method: clinical testing. Allele origin: germline. Affected: yes.
Comment: Not observed at significant frequency in large population cohorts (gnomAD); In silico analysis indicates that this missense variant does not alter protein structure/function; Has not been previously published as pathogenic or benign to our knowledge

Ambry Genetics
Classification: Uncertain significance for Inborn genetic diseases. Last evaluated: 2023-01-10. Review status: criteria provided, single submitter. Criteria: Ambry Variant Classification Scheme 2023. Collection method: clinical testing. Allele origin: germline.

NM_001372076.1(PAX9):c.775C>T (p.Pro259Ser)

Gene: PAX9 (paired box 9; plus strand). Cytogenetic location: 14q13.3.
Variant type: single nucleotide variant.
Coding change: c.775C>T on transcript NM_001372076.1 (MANE Select); coding-DNA position 775, C replaced by T.
Protein change: p.Pro259Ser; replaces proline 259 with serine.
Molecular consequence: missense variant.
Genome position (GRCh38, 1-based): chr14:36,676,201, C>T. VCF-style: chr14-36676201-C-T. GRCh37 (hg19) VCF-style: chr14-37145406-C-T.
Other names: c.775C>T, p.Pro259Ser (NM_006194.4); short protein forms P259S.
Identifiers: ClinVar variation 2474881 (VCV002474881.4), dbSNP rs145974094, ClinGen allele CA7159096.